The following is an entry in ClinVar:

ClinVar aggregate classification (germline): Pathogenic. Review status: criteria provided, multiple submitters, no conflicts (2 of 4 stars). 11 submissions from 11 submitters: Pathogenic (10). 1 of the submissions does not count toward it. Last evaluated 2026-01-30.

Conditions:
COL4A5-related disorders.
Alport syndrome. Also called: Hemorrhagic familial nephritis; Hemorrhagic hereditary nephritis; Congenital hereditary hematuria. Identifiers: Orphanet 63, MedGen C1567741, MONDO:0018965.
X-linked Alport syndrome (ATS1). Also called: COL4A5-Related Nephropathy; NEPHROPATHY AND DEAFNESS, X-LINKED. Identifiers: Orphanet 63, Orphanet 88917, MedGen C4746986, MONDO:0010520, OMIM 301050.

Allele frequency attached by ClinVar (database versions not stated): gnomAD exomes below 0.00001.
gnomAD v4.1: 1 of 1,209,521 alleles (0.000083%); highest among the groups gnomAD compares: Non-Finnish European, 0.00011%; no homozygotes.

Submissions (11):

Clinical Genetics Laboratory, Skane University Hospital Lund
Classification: Pathogenic for Alport syndrome. Last evaluated: 2026-01-30. Review status: criteria provided, single submitter. Criteria: ACMG Guidelines, 2015. Collection method: clinical testing. Allele origin: germline. Affected: yes.
Comment: ACMG criteria applied: PVS1_Strong, PS4_Moderate, PM2, PP1_Strong.

Natera, Inc.
Classification: Pathogenic for X-linked Alport syndrome. Last evaluated: 2026-01-07. Review status: criteria provided, single submitter. Criteria: Natera Variant Classification Schema (03/2026). Collection method: clinical testing. Allele origin: germline.
Comment: The c.5020C>T variant in COL4A5 is a nonsense variant predicted to introduce a stop codon at amino acid 1674. This variant is expected to result in nonsense mediated decay, truncation, or a dysfunctional protein product. This variant is rare in the general population with a frequency below the threshold expected for the associated phenotype(s). This variant has been observed in affected individual(s) with monoallelic occurrence (heterozygous/hemizygous) (PMID: 39278986, 37097554, 20378821). Given the available evidence, this variant is classified as Pathogenic.

3billion
Classification: Pathogenic for X-linked Alport syndrome. Last evaluated: 2025-06-24. Review status: criteria provided, single submitter. Criteria: ACMG Guidelines, 2015. Collection method: clinical testing. Allele origin: germline. Affected: yes.
Comment: The variant is observed at an extremely low frequency in the gnomAD v4.1.0 dataset (total allele frequency: <0.001%). Predicted Consequence/Location: Stop-gained (nonsense): predicted to result in a loss or disruption of normal protein function through protein truncation. Multiple pathogenic variants are reported in the predicted truncated region. The variant has been reported at least twice as pathogenic with clinical assertions and evidence for the classification (ClinVar ID: VCV000024785 /PMID: 12105244). Therefore, this variant is classified as Pathogenic according to the recommendation of ACMG/AMP guideline.

Myriad Genetics, Inc.
Classification: Pathogenic for X-linked Alport syndrome. Last evaluated: 2025-02-19. Review status: criteria provided, single submitter. Criteria: Myriad Autosomal Dominant, Autosomal Recessive and X-Linked Classification Criteria (2023). Collection method: clinical testing. Allele origin: unknown.
Comment: NM_000495.4(COL4A5):c.5020C>T(R1674*) is a nonsense variant classified as pathogenic in the context of X-linked Alport syndrome. R1674* has been observed in a case with relevant disease (PMID: 20378821). Relevant functional assessments of this variant are not available in the literature. R1674* has not been observed in referenced population frequency databases. In summary, NM_000495.4(COL4A5):c.5020C>T(R1674*) is a nonsense variant in a gene where loss of function is a known mechanism of disease, is predicted to disrupt protein function, and has been observed more frequently in cases with the relevant disease than in healthy populations. Please note: this variant was assessed in the context of healthy population screening.

Labcorp Genetics (formerly Invitae), Labcorp
Classification: Pathogenic. Last evaluated: 2024-10-10. Review status: criteria provided, single submitter. Criteria: Invitae Variant Classification Sherloc (09022015). Collection method: clinical testing. Allele origin: germline.
Comment: This sequence change creates a premature translational stop signal (p.Arg1674*) in the COL4A5 gene. While this is not anticipated to result in nonsense mediated decay, it is expected to disrupt the last 12 amino acid(s) of the COL4A5 protein. This variant is not present in population databases (gnomAD no frequency). This premature translational stop signal has been observed in individuals with Alport syndrome (PMID: 12105244, 20378821, 30577881). This variant is also known as p.Arg1680*. ClinVar contains an entry for this variant (Variation ID: 24785). Algorithms developed to predict the effect of sequence changes on RNA splicing suggest that this variant may disrupt the consensus splice site. This variant disrupts a region of the COL4A5 protein in which other variant(s) (p.Arg1677*) have been determined to be pathogenic (PMID: 10094548, 12796257, 19728970, 19965530). This suggests that this is a clinically significant region of the protein, and that variants that disrupt it are likely to be disease-causing. For these reasons, this variant has been classified as Pathogenic.

Fulgent Genetics
Classification: Pathogenic for X-linked Alport syndrome. Last evaluated: 2024-05-29. Review status: criteria provided, single submitter. Criteria: ACMG Guidelines, 2015. Collection method: clinical testing. Allele origin: germline.

GeneDx
Classification: Pathogenic. Last evaluated: 2023-01-23. Review status: criteria provided, single submitter. Criteria: GeneDx Variant Classification Process June 2021. Collection method: clinical testing. Allele origin: germline. Affected: yes.
Comment: Nonsense variant predicted to result in protein truncation, as the last 12 amino acids are lost, and other loss-of-function variants have been reported downstream in HGMD; Not observed at significant frequency in large population cohorts (gnomAD); This variant is associated with the following publications: (PMID: 12105244, 30577881, 20378821, 30586318)

Blueprint Genetics
Classification: Pathogenic for COL4A5-related disorders. Last evaluated: 2019-09-04. Review status: criteria provided, single submitter. Criteria: ACMG Guidelines, 2015. Collection method: clinical testing. Allele origin: germline. Affected: yes. Observed: 1 variant allele.

Institute of Human Genetics Munich, TUM University Hospital
Classification: Pathogenic for X-linked Alport syndrome. Last evaluated: 2018-12-06. Review status: criteria provided, single submitter. Criteria: Classification criteria August 2017. Collection method: clinical testing. Allele origin: germline. Inheritance: X-linked inheritance. Affected: yes. Observed: 1 hemizygote.

Gharavi Laboratory, Columbia University
Classification: Pathogenic. Last evaluated: 2018-09-16. Review status: criteria provided, single submitter. Criteria: ACMG Guidelines, 2015. Collection method: research. Allele origin: germline. Affected: yes.

Department of Traditional Chinese Medicine, Fujian Provincial Hospital
Classification: Pathogenic for Alport syndrome. Review status: no assertion criteria provided. Collection method: research. Allele origin: maternal. Inheritance: X-linked dominant inheritance. Not counted in ClinVar's aggregate classification.
Comment: Furthermore, numerous investigations have established the pathogenicity of this mutant location (PMID: 10094548, 12796257, 19728970, 19965530).

Literature cited by the submitters: PubMed 39278986 (cited by Natera, Inc.); PubMed 37097554 (cited by Natera, Inc.); PubMed 20378821 (cited by 3 submitters); PubMed 12105244 (cited by 3billion and Labcorp Genetics (formerly Invitae), Labcorp); PubMed 30577881 (cited by Labcorp Genetics (formerly Invitae), Labcorp); PubMed 10094548 (cited by Labcorp Genetics (formerly Invitae), Labcorp); PubMed 12796257 (cited by Labcorp Genetics (formerly Invitae), Labcorp); PubMed 19728970 (cited by Labcorp Genetics (formerly Invitae), Labcorp); PubMed 19965530 (cited by Labcorp Genetics (formerly Invitae), Labcorp); DOI 10.2215/CJN.01030209 (cited by Department of Traditional Chinese Medicine, Fujian Provincial Hospital).

NM_033380.3(COL4A5):c.5038C>T (p.Arg1680Ter)

Gene: COL4A5 (collagen type IV alpha 5 chain; plus strand). Cytogenetic location: Xq22.3.
Variant type: single nucleotide variant.
Coding change: c.5038C>T on transcript NM_033380.3 (MANE Select); coding-DNA position 5038, C replaced by T.
Protein change: p.Arg1680Ter; replaces arginine 1680 with a stop codon.
Molecular consequence: nonsense.
Genome position (GRCh38, 1-based): chrX:108,696,340, C>T. VCF-style: chrX-108696340-C-T. GRCh37 (hg19) VCF-style: chrX-107939570-C-T.
Other names: c.5020C>T, p.Arg1674Ter (NM_000495.5); c.5038C>T (NM_033380.1); c.5020C>T (NM_000495.4); short protein forms R1674*, R1680*.
Identifiers: ClinVar variation 24785 (VCV000024785.21), dbSNP rs281874753, ClinGen allele CA259143.
Genomic context (GRCh38, chrX:108,696,340, plus strand): 5'-TATTTCTTATTTCCCAGTAAACCTCAGTCAGAAACGCTGAAAGCAGGAGACTTGAGGACA[C>T]GAATTAGCCGATGTCAAGTGTGCATGAAGAGGACATAACATTTTGAAGAATTCCTTTTGT-3'